The following is an entry in ClinVar:

ClinVar aggregate classification (germline): Uncertain significance (1 of 4 stars; one submission).

Conditions:
Reticular dysgenesis. Also called: ALEUKOCYTOSIS; CONGENITAL ALEUKIA; HEMATOPOIETIC HYPOPLASIA, GENERALIZED; RETICULAR DYSGENESIA; SEVERE COMBINED IMMUNODEFICIENCY WITH LEUKOPENIA; DeVaal disease. Identifiers: Orphanet 33355, MedGen C0272167, MONDO:0009973, OMIM 267500.

Submission:

Labcorp Genetics (formerly Invitae), Labcorp
Classification: Uncertain significance for Reticular dysgenesis. Last evaluated: 2020-03-10. Review status: criteria provided, single submitter. Criteria: Invitae Variant Classification Sherloc (09022015). Collection method: clinical testing. Allele origin: germline.
Comment: This variant is not present in population databases (ExAC no frequency). This sequence change replaces serine with proline at codon 208 of the AK2 protein (p.Ser208Pro). The serine residue is weakly conserved and there is a moderate physicochemical difference between serine and proline. This variant has been observed in individual(s) with clinical features of AK2 deficiency (PMID: 31673062). This variant has been reported to affect AK2 protein function (PMID: 31673062). In summary, the available evidence is currently insufficient to determine the role of this variant in disease. Therefore, it has been classified as a Variant of Uncertain Significance.

Literature cited by the submitters: PubMed 31673062.

NM_001625.4(AK2):c.622T>C (p.Ser208Pro)

Gene: AK2 (adenylate kinase 2; minus strand). Cytogenetic location: 1p35.1.
Variant type: single nucleotide variant.
Coding change: c.622T>C on transcript NM_001625.4 (MANE Select); coding-DNA position 622, T replaced by C.
Protein change: p.Ser208Pro; replaces serine 208 with proline.
Molecular consequence: missense variant. On other transcripts: 3 prime UTR variant (1), non-coding transcript variant (1).
Genome position (GRCh38, 1-based): chr1:33,013,279, A>G on the plus strand (T>C on the coding strand, the complement: AK2 is on the minus strand). VCF-style: chr1-33013279-A-G. GRCh37 (hg19) VCF-style: chr1-33478880-A-G.
Other names: c.598T>C, p.Ser200Pro (NM_001199199.3); c.478T>C, p.Ser160Pro (NM_001319139.3, NM_001319140.2); c.622T>C, p.Ser208Pro (NM_001319141.3, NM_013411.5); c.496T>C, p.Ser166Pro (NM_001319142.3); c.*125T>C (NM_001319143.2); short protein forms S160P, S166P, S200P, S208P.
Identifiers: ClinVar variation 1001459 (VCV001001459.9), dbSNP rs776378314, ClinGen allele CA339699224.